The following is an entry in ClinVar:

NM_017934.7(PHIP):c.4783C>T (p.Pro1595Ser)

Genes: IRAK1BP1 (interleukin 1 receptor associated kinase 1 binding protein 1; plus strand), PHIP (PHIP subunit of CUL4-Ring ligase complex; minus strand). Cytogenetic location: 6q14.1.
Variant type: single nucleotide variant.
Coding change: c.4783C>T on transcript NM_017934.7 (MANE Select); coding-DNA position 4783, C replaced by T.
Protein change: p.Pro1595Ser; replaces proline 1595 with serine.
Molecular consequence: missense variant.
Genome position (GRCh38, 1-based): chr6:78,945,345, G>A on the plus strand (C>T on the coding strand, the complement: PHIP is on the minus strand). VCF-style: chr6-78945345-G-A. GRCh37 (hg19) VCF-style: chr6-79655062-G-A.
Other names: short protein forms P1595S.
Identifiers: ClinVar variation 3057797 (VCV003057797.2), dbSNP rs374117949, ClinGen allele CA3899371.

ClinVar aggregate classification (germline): Uncertain significance (0 of 4 stars; one submission).

Conditions:
PHIP-related disorder. Also called: PHIP-related disorders; PHIP-related condition.

Allele frequency attached by ClinVar (database versions not stated): gnomAD exomes below 0.00001; ExAC 0.00001; TOPMed 0.00001; ESP Exome Variant Server 0.00008.
gnomAD v4.1: 6 of 1,613,672 alleles (0.00037%); highest among the groups gnomAD compares: Non-Finnish European, 0.00051%; no homozygotes.

Submission:

PreventionGenetics, part of Exact Sciences
Classification: Uncertain significance for PHIP-related condition. Last evaluated: 2023-12-06. Review status: no assertion criteria provided. Collection method: clinical testing. Allele origin: germline.
Comment: The PHIP c.4783C>T variant is predicted to result in the amino acid substitution p.Pro1595Ser. To our knowledge, this variant has not been reported in the literature. This variant is reported in 0.0018% of alleles in individuals of European (Non-Finnish) descent in gnomAD. At this time, the clinical significance of this variant is uncertain due to the absence of conclusive functional and genetic evidence.